The following is an entry in ClinVar:

ClinVar aggregate classification (germline): Uncertain significance (1 of 4 stars; one submission).

Conditions:
Weaver syndrome (WVS). Also called: Weaver Smith syndrome; Overgrowth syndrome with accelerated skeletal maturation, unusual facies, and camptodactyly. Identifiers: Orphanet 3447, MedGen C0265210, MONDO:0010193, OMIM 277590.

Submission:

Labcorp Genetics (formerly Invitae), Labcorp
Classification: Uncertain significance for Weaver syndrome. Last evaluated: 2022-03-21. Review status: criteria provided, single submitter. Criteria: Invitae Variant Classification Sherloc (09022015). Collection method: clinical testing. Allele origin: germline.
Comment: In summary, the available evidence is currently insufficient to determine the role of this variant in disease. Therefore, it has been classified as a Variant of Uncertain Significance. Advanced modeling of protein sequence and biophysical properties (such as structural, functional, and spatial information, amino acid conservation, physicochemical variation, residue mobility, and thermodynamic stability) performed at Invitae indicates that this missense variant is not expected to disrupt EZH2 protein function. This variant has not been reported in the literature in individuals affected with EZH2-related conditions. This variant is not present in population databases (gnomAD no frequency). This sequence change replaces threonine, which is neutral and polar, with alanine, which is neutral and non-polar, at codon 316 of the EZH2 protein (p.Thr316Ala).

NM_004456.5(EZH2):c.946A>G (p.Thr316Ala)

Gene: EZH2 (enhancer of zeste 2 polycomb repressive complex 2 subunit; minus strand). Cytogenetic location: 7q36.1.
Variant type: single nucleotide variant.
Coding change: c.946A>G on transcript NM_004456.5 (MANE Select); coding-DNA position 946, A replaced by G.
Protein change: p.Thr316Ala; replaces threonine 316 with alanine.
Molecular consequence: missense variant.
Genome position (GRCh38, 1-based): chr7:148,819,649, T>C on the plus strand (A>G on the coding strand, the complement: EZH2 is on the minus strand). VCF-style: chr7-148819649-T-C. GRCh37 (hg19) VCF-style: chr7-148516741-T-C.
Other names: c.931A>G, p.Thr311Ala (NM_001203247.2); c.904A>G, p.Thr302Ala (NM_001203248.2, NM_001203249.2); c.814A>G, p.Thr272Ala (NM_152998.3); short protein forms T316A, T302A, T272A, T311A.
Identifiers: ClinVar variation 2160520 (VCV002160520.4), dbSNP rs2536755946, ClinGen allele CA369718331.